The following is an entry in ClinVar:

ClinVar aggregate classification (germline): Uncertain significance (1 of 4 stars; one submission).

Conditions:
Hereditary cancer-predisposing syndrome. Also called: Tumor predisposition; Neoplastic Syndromes, Hereditary; Hereditary neoplastic syndrome; Hereditary Cancer Syndrome. Identifiers: Orphanet 140162, MedGen C0027672, MeSH D009386, MONDO:0015356.

Submission:

Ambry Genetics
Classification: Uncertain significance for Hereditary cancer-predisposing syndrome. Last evaluated: 2025-08-27. Review status: criteria provided, single submitter. Criteria: Ambry Variant Classification Scheme 2023. Collection method: clinical testing. Allele origin: germline.
Comment: The p.A428T variant (also known as c.1282G>A), located in coding exon 13 of the MUTYH gene, results from a G to A substitution at nucleotide position 1282. The alanine at codon 428 is replaced by threonine, an amino acid with similar properties. This amino acid position is conserved. In addition, this alteration is predicted to be tolerated by in silico analysis. Based on the available evidence, the clinical significance of this variant remains unclear.

NM_001048174.2(MUTYH):c.1198G>A (p.Ala400Thr)

Gene: MUTYH (mutY DNA glycosylase; minus strand). Cytogenetic location: 1p34.1.
Variant type: single nucleotide variant.
Coding change: c.1198G>A on transcript NM_001048174.2 (MANE Select); coding-DNA position 1198, G replaced by A.
Protein change: p.Ala400Thr; replaces alanine 400 with threonine.
Molecular consequence: missense variant. On other transcripts: non-coding transcript variant (7).
Genome position (GRCh38, 1-based): chr1:45,331,461, C>T on the plus strand (G>A on the coding strand, the complement: MUTYH is on the minus strand). VCF-style: chr1-45331461-C-T. GRCh37 (hg19) VCF-style: chr1-45797133-C-T.
Other names: c.1198G>A, p.Ala400Thr (NM_001048171.2, NM_001048173.2, NM_001293195.2 and 6 more transcripts); c.1201G>A, p.Ala401Thr (NM_001048172.2, NM_001407086.1, NM_001407071.1 and 1 more transcripts); c.1282G>A, p.Ala428Thr (NM_001128425.2); c.1243G>A, p.Ala415Thr (NM_001293190.2); c.1231G>A, p.Ala411Thr (NM_001293191.2, NM_001407069.1, NM_001407077.1); c.922G>A, p.Ala308Thr (NM_001293192.2, NM_001293196.2, NM_001407091.1); c.853G>A, p.Ala285Thr (NM_001350650.2, NM_001407082.1, NM_001350651.2); c.1156G>A, p.Ala386Thr (NM_001407080.1); and 5 more; short protein forms A372T, A400T, A414T, A415T, A386T, A428T, A285T, A387T.
Identifiers: ClinVar variation 4113149 (VCV004113149.1).